The following is an entry in ClinVar:

ClinVar aggregate classification (germline): Pathogenic (1 of 4 stars; one submission).

Submission:

GeneDx
Classification: Pathogenic. Last evaluated: 2023-10-15. Review status: criteria provided, single submitter. Criteria: GeneDx Variant Classification Process June 2021. Collection method: clinical testing. Allele origin: germline. Affected: yes.
Comment: Not observed at significant frequency in large population cohorts (gnomAD); In silico analysis supports that this missense variant has a deleterious effect on protein structure/function; Has not been previously published as pathogenic or benign to our knowledge

NM_015330.6(SPECC1L):c.1207A>G (p.Met403Val)

Genes: SPECC1L (sperm antigen with calponin homology and coiled-coil domains 1 like; plus strand), SPECC1L-ADORA2A (SPECC1L-ADORA2A readthrough (NMD candidate); plus strand). Cytogenetic location: 22q11.23.
Variant type: single nucleotide variant.
Coding change: c.1207A>G on transcript NM_015330.6 (MANE Select); coding-DNA position 1207, A replaced by G.
Protein change: p.Met403Val; replaces methionine 403 with valine.
Molecular consequence: missense variant. On other transcripts: non-coding transcript variant (1).
Genome position (GRCh38, 1-based): chr22:24,322,187, A>G. VCF-style: chr22-24322187-A-G. GRCh37 (hg19) VCF-style: chr22-24718155-A-G.
Other names: c.1207A>G, p.Met403Val (NM_001145468.4, NM_001254732.3); short protein forms M403V.
Identifiers: ClinVar variation 3342823 (VCV003342823.1).